The following is an entry in ClinVar:

NM_152564.5(VPS13B):c.6657+10T>C

Gene: VPS13B (vacuolar protein sorting 13 homolog B; plus strand). Cytogenetic location: 8q22.2.
Variant type: single nucleotide variant.
Coding change: c.6657+10T>C on transcript NM_152564.5 (MANE Select); 10 bases into the intron after coding-DNA position 6657, T replaced by C.
Molecular consequence: intron variant.
Genome position (GRCh38, 1-based): chr8:99,717,383, T>C. VCF-style: chr8-99717383-T-C. GRCh37 (hg19) VCF-style: chr8-100729611-T-C.
Other names: c.6732+10T>C (NM_017890.5).
Identifiers: ClinVar variation 4986946 (VCV004986946.1).
Genomic context (GRCh38, chr8:99,717,383, plus strand): 5'-GAACAATCCATACCAAAAATATCCATTGACTTAAGAGGAGGTCTACTACAGGTCTGTGGG[T>C]ATTGGCCATATTTTTTTCATAGGTTATTAACTAGCCTCTGTTCATTTTTTGAACTGTTTC-3'

ClinVar aggregate classification (germline): Likely benign (1 of 4 stars; one submission).

Conditions:
VPS13B-related disorder. Also called: VPS13B-related condition.

gnomAD v4.1: 1 of 1,611,442 alleles (0.000062%); highest among the groups gnomAD compares: Admixed American, 0.0017%; no homozygotes.

Submission:

PreventionGenetics, part of Exact Sciences
Classification: Likely benign for VPS13B-related condition. Last evaluated: 2025-12-17. Review status: criteria provided, single submitter. Criteria: ACMG Guidelines, 2015. Collection method: clinical testing. Allele origin: germline.
Comment: This variant is classified as likely benign based on ACMG/AMP sequence variant interpretation guidelines (Richards et al. 2015 PMID: 25741868, with internal and published modifications).